The following is an entry in ClinVar:

NM_001267550.2(TTN):c.47142_47143dup (p.Glu15715fs)

Genes: TTN (titin; minus strand), TTN-AS1 (TTN antisense RNA 1; plus strand). Cytogenetic location: 2q31.2.
Variant type: Microsatellite.
Coding change: c.47142_47143dup on transcript NM_001267550.2 (MANE Select); coding-DNA positions 47142 to 47143, 2 bases duplicated (TG; older notation c.47142_47143dupTG).
Protein change: p.Glu15715fs; shifts the reading frame from glutamic acid 15715.
Molecular consequence: frameshift variant.
Genome position (GRCh38, 1-based): chr2:178,618,315-178,618,316, CA duplicated on the plus strand (TG on the coding strand, the reverse complement: TTN is on the minus strand); duplicating any 2 consecutive bases within chr2:178,618,315-178,618,318 gives the same sequence; the c. name uses the placement nearest the transcript's 3' end. VCF-style (leftmost placement, unchanged base first): chr2-178618314-T-TCA. GRCh37 (hg19) VCF-style: chr2-179483041-T-TCA.
Other names: c.42219_42220dup, p.Glu14074fs (NM_001256850.1); c.19947_19948dup, p.Glu6650fs (NM_003319.4); c.39438_39439dup, p.Glu13147fs (NM_133378.4); c.20322_20323dup, p.Glu6775fs (NM_133432.3); c.20523_20524dup, p.Glu6842fs (NM_133437.4); c.47142_47143dup (LRG_391t1); short protein forms E6842fs, E14074fs, E6650fs, E13147fs, E15715fs, E6775fs.
Identifiers: ClinVar variation 223370 (VCV000223370.1), dbSNP rs869312107, ClinGen allele CA353061.

ClinVar aggregate classification (germline): Likely pathogenic (1 of 4 stars; one submission).

Conditions:
Primary dilated cardiomyopathy (DCM). Also called: Dilated Cardiomyopathy. Identifiers: Orphanet 217604, MedGen C0007193, MeSH D002311, MONDO:0005021, HP:0001644. Inheritance: Various modes of inheritance.

Submission:

Cardiovascular Biomedical Research Unit, Royal Brompton & Harefield NHS Foundation Trust
Classification: Likely pathogenic for Primary dilated cardiomyopathy. Last evaluated: 2014-10-08. Review status: criteria provided, single submitter. Criteria: Roberts et al. 2015. Collection method: research. Allele origin: germline. Inheritance: Autosomal dominant inheritance. Affected: yes. Observed: 1 variant allele. Study: Familial DCM.
Comment: In the seven cohorts assessed, TTNtv were found in 14% of ambulant DCM, 22% end-stage or familial DCM, and 2% controls. Heterozygous nonsense, frameshift and canonical splice-disrupting variants found in constitutive and other highly utilised exons are highly likely to be pathogenic when identified in individuals with phenotypically confirmed DCM. TTNtv found incidentally in healthy individuals (excluding familial assessment of DCM relatives) are thought to have low penetrance, particularly when identified in exons that are not constitutively expressed in the heart.